The following is an entry in ClinVar:

ClinVar aggregate classification (germline): Pathogenic. Review status: criteria provided, multiple submitters, no conflicts (2 of 4 stars). 2 submissions from 2 submitters: Pathogenic (2). Last evaluated 2025-12-05.

Conditions:
Hereditary cancer-predisposing syndrome. Also called: Tumor predisposition; Hereditary neoplastic syndrome; Neoplastic Syndromes, Hereditary; Hereditary Cancer Syndrome. Identifiers: Orphanet 140162, MedGen C0027672, MeSH D009386, MONDO:0015356.
Hereditary breast ovarian cancer syndrome. Also called: Hereditary breast and ovarian cancer; Breast and ovarian cancer; BRCA1- and BRCA2-Associated Hereditary Breast and Ovarian Cancer; Hereditary breast and/or ovarian cancer syndrome; Hereditary breast and ovarian cancer syndrome; Hereditary breast and ovarian cancer syndrome (HBOC). Identifiers: Orphanet 145, MedGen C0677776, MeSH D061325, MONDO:0003582. Disease mechanism: loss of function.

Submissions (2):

Ambry Genetics
Classification: Pathogenic for Hereditary cancer-predisposing syndrome. Last evaluated: 2025-12-05. Review status: criteria provided, single submitter. Criteria: Ambry Variant Classification Scheme 2023. Collection method: clinical testing. Allele origin: germline.
Comment: The c.2787delT variant, located in coding exon 9 of the BRCA1 gene, results from a deletion of one nucleotide at nucleotide position 2787, causing a translational frameshift with a predicted alternate stop codon (p.P930Lfs*70). This variant is considered to be rare based on population cohorts in the Genome Aggregation Database (gnomAD). This alteration is expected to result in loss of function by premature protein truncation or nonsense-mediated mRNA decay. As such, this alteration is interpreted as a disease-causing mutation.

Labcorp Genetics (formerly Invitae), Labcorp
Classification: Pathogenic for Hereditary breast ovarian cancer syndrome. Last evaluated: 2025-02-25. Review status: criteria provided, single submitter. Criteria: Invitae Variant Classification Sherloc (09022015). Collection method: clinical testing. Allele origin: germline.
Comment: This sequence change creates a premature translational stop signal (p.Pro930Leufs*70) in the BRCA1 gene. It is expected to result in an absent or disrupted protein product. Loss-of-function variants in BRCA1 are known to be pathogenic (PMID: 20104584). This variant is not present in population databases (gnomAD no frequency). This premature translational stop signal has been observed in individual(s) with familial breast and/or ovarian cancer (PMID: 30333958). ClinVar contains an entry for this variant (Variation ID: 1075264). For these reasons, this variant has been classified as Pathogenic.

Literature cited by the submitters: PubMed 20104584 (cited by Labcorp Genetics (formerly Invitae), Labcorp); PubMed 30333958 (cited by Labcorp Genetics (formerly Invitae), Labcorp).

NM_007294.4(BRCA1):c.2787del (p.Pro930fs)

Gene: BRCA1 (BRCA1 DNA repair associated; minus strand). Cytogenetic location: 17q21.31.
Variant type: Deletion.
Coding change: c.2787del on transcript NM_007294.4 (MANE Select); coding-DNA position 2787, one base deleted (T; older notation c.2787delT).
Protein change: p.Pro930fs; shifts the reading frame from proline 930.
Molecular consequence: frameshift variant. On other transcripts: intron variant (137).
Genome position (GRCh38, 1-based): chr17:43,092,744, A deleted on the plus strand (T on the coding strand, the reverse complement: BRCA1 is on the minus strand); the first of 3 consecutive A bases (chr17:43,092,744-43,092,746); deleting any one gives the same sequence. VCF-style (leftmost placement, unchanged base first): chr17-43092743-GA-G. GRCh37 (hg19) VCF-style: chr17-41244760-GA-G.
Other names: c.578-1712del (NM_001408479.1, NM_001408485.1, NM_001408482.1 and 9 more transcripts); c.662-1712del (NM_001408445.1, NM_001408432.1, NM_001408447.1 and 6 more transcripts); c.668-1712del (NM_001408431.1, NM_001408424.1, NM_001408421.1); c.785-1712del (NM_001408407.1, NM_001408402.1, NM_001408473.1 and 13 more transcripts); c.665-1712del (NM_001408443.1, NM_001408439.1, NM_001408425.1 and 12 more transcripts); c.671-1712del (NM_001408419.1, NM_001408418.1, NM_001408422.1 and 2 more transcripts); c.788-1712del (NM_001408403.1, NM_001407983.1, NM_001407975.1 and 17 more transcripts); c.791-1721del (NM_001408406.1); and 42 more; short protein forms P883fs, P930fs, P803fs, P842fs, P634fs, P818fs, P860fs, P863fs.
Identifiers: ClinVar variation 1075264 (VCV001075264.12), dbSNP rs2154359567, ClinGen allele CA2499224492.
Genomic context (GRCh38, chr17:43,092,743, plus strand): 5'-AGCCTCCTTTGATACTACATTTGGCATTATCAACTGGCTTATCTTTCTGACCAACCACAG[GA>G]AAGCCTGCAGTGATATTAACTGTCTGTACAGGCTTGATATTAGACTCATTCTTTCCTTGA-3'